The following is an entry in ClinVar:

NM_014339.7(IL17RA):c.1165C>T (p.Pro389Ser)

Gene: IL17RA (interleukin 17 receptor A; plus strand). Cytogenetic location: 22q11.1.
Variant type: single nucleotide variant.
Coding change: c.1165C>T on transcript NM_014339.7 (MANE Select); coding-DNA position 1165, C replaced by T.
Protein change: p.Pro389Ser; replaces proline 389 with serine.
Molecular consequence: missense variant.
Genome position (GRCh38, 1-based): chr22:17,108,384, C>T. VCF-style: chr22-17108384-C-T. GRCh37 (hg19) VCF-style: chr22-17589274-C-T.
Other names: c.1063C>T, p.Pro355Ser (NM_001289905.2); short protein forms P355S, P389S.
Identifiers: ClinVar variation 641306 (VCV000641306.6), dbSNP rs776885778, ClinGen allele CA10086685.
Genomic context (GRCh38, chr22:17,108,384, plus strand): 5'-GACCTGATCCCCCCACCGCTGAAGCCCAGGAAGGTCTGGATCATCTACTCAGCCGACCAC[C>T]CCCTCTACGTGGACGTGGTCCTGAAATTCGCCCAGTTCCTGCTCACCGCCTGCGGCACGG-3'
Protein context (NP_055154.3, residues 379-399): KVWIIYSADH[Pro389Ser]LYVDVVLKFA

ClinVar aggregate classification (germline): Uncertain significance. Review status: criteria provided, multiple submitters, no conflicts (2 of 4 stars). 2 submissions from 2 submitters: Uncertain significance (2). Last evaluated 2024-11-19.

Conditions:
Immunodeficiency 51 (IMD51). Also called: CANDIDIASIS, FAMILIAL, 5. Identifiers: Orphanet 1334, MedGen C4310803, MONDO:0013500, OMIM 613953.

Allele frequency attached by ClinVar (database versions not stated): ExAC 0.00001; gnomAD exomes 0.00002.
gnomAD v4.1: 14 of 1,614,058 alleles (0.00087%); highest among the groups gnomAD compares: Middle Eastern, 0.016%; no homozygotes.

Submissions (2):

Blueprint Genetics
Classification: Uncertain significance. Last evaluated: 2024-11-19. Review status: criteria provided, single submitter. Criteria: ACMG Guidelines, 2015. Collection method: clinical testing. Allele origin: germline.

Labcorp Genetics (formerly Invitae), Labcorp
Classification: Uncertain significance for Immunodeficiency 51. Last evaluated: 2023-10-13. Review status: criteria provided, single submitter. Criteria: Invitae Variant Classification Sherloc (09022015). Collection method: clinical testing. Allele origin: germline.
Comment: This sequence change replaces proline, which is neutral and non-polar, with serine, which is neutral and polar, at codon 389 of the IL17RA protein (p.Pro389Ser). This variant is present in population databases (rs776885778, gnomAD 0.004%). This variant has not been reported in the literature in individuals affected with IL17RA-related conditions. ClinVar contains an entry for this variant (Variation ID: 641306). Advanced modeling of protein sequence and biophysical properties (such as structural, functional, and spatial information, amino acid conservation, physicochemical variation, residue mobility, and thermodynamic stability) performed at Invitae indicates that this missense variant is expected to disrupt IL17RA protein function. In summary, the available evidence is currently insufficient to determine the role of this variant in disease. Therefore, it has been classified as a Variant of Uncertain Significance.